The following is an entry in ClinVar:

ClinVar aggregate classification (germline): Uncertain significance (1 of 4 stars; one submission).

Submission:

Labcorp Genetics (formerly Invitae), Labcorp
Classification: Uncertain significance. Last evaluated: 2025-11-22. Review status: criteria provided, single submitter. Criteria: Invitae Variant Classification Sherloc (09022015). Collection method: clinical testing. Allele origin: germline.
Comment: This sequence change replaces glycine, which is neutral and non-polar, with valine, which is neutral and non-polar, at codon 201 of the UMOD protein (p.Gly201Val). This variant is not present in population databases (gnomAD no frequency). This variant has not been reported in the literature in individuals affected with UMOD-related conditions. Invitae Evidence Modeling of protein sequence and biophysical properties (such as structural, functional, and spatial information, amino acid conservation, physicochemical variation, residue mobility, and thermodynamic stability) has been performed for this missense variant. However, the output from this modeling did not meet the statistical confidence thresholds required to predict the impact of this variant on UMOD protein function. In summary, the available evidence is currently insufficient to determine the role of this variant in disease. Therefore, it has been classified as a Variant of Uncertain Significance.

NM_003361.4(UMOD):c.602G>T (p.Gly201Val)

Gene: UMOD (uromodulin; minus strand). Cytogenetic location: 16p12.3.
Variant type: single nucleotide variant.
Coding change: c.602G>T on transcript NM_003361.4 (MANE Select); coding-DNA position 602, G replaced by T.
Protein change: p.Gly201Val; replaces glycine 201 with valine.
Molecular consequence: missense variant. On other transcripts: non-coding transcript variant (1).
Genome position (GRCh38, 1-based): chr16:20,348,699, C>A on the plus strand (G>T on the coding strand, the complement: UMOD is on the minus strand). VCF-style: chr16-20348699-C-A. GRCh37 (hg19) VCF-style: chr16-20360021-C-A.
Other names: c.602G>T, p.Gly201Val (NM_001008389.3, NM_001378232.1, NM_001378233.1 and 3 more transcripts); c.701G>T, p.Gly234Val (NM_001278614.2); short protein forms G201V, G234V.
Identifiers: ClinVar variation 4743514 (VCV004743514.1).